The following is an entry in ClinVar:

NM_001370259.2(MEN1):c.694C>G (p.Arg232Gly)

Gene: MEN1 (menin 1; minus strand). Cytogenetic location: 11q13.1.
Variant type: single nucleotide variant.
Coding change: c.694C>G on transcript NM_001370259.2 (MANE Select); coding-DNA position 694, C replaced by G.
Protein change: p.Arg232Gly; replaces arginine 232 with glycine.
Molecular consequence: missense variant. On other transcripts: non-coding transcript variant (4).
Genome position (GRCh38, 1-based): chr11:64,807,641, G>C on the plus strand (C>G on the coding strand, the complement: MEN1 is on the minus strand). VCF-style: chr11-64807641-G-C. GRCh37 (hg19) VCF-style: chr11-64575113-G-C.
Other names: c.709C>G, p.Arg237Gly (NM_130802.3, NM_130803.3, NM_130804.3 and 5 more transcripts); c.694C>G, p.Arg232Gly (NM_001407147.1, NM_001407152.1, NM_130799.3 and 7 more transcripts); c.589C>G, p.Arg197Gly (NM_001407148.1, NM_001407149.1, NM_001407151.1 and 2 more transcripts); short protein forms R197G, R232G, R237G.
Identifiers: ClinVar variation 4800426 (VCV004800426.1).

ClinVar aggregate classification (germline): Uncertain significance (1 of 4 stars; one submission).

Conditions:
Multiple endocrine neoplasia, type 1 (MEN1). Also called: MEA I; MEN I; WERMER SYNDROME; Endocrine adenomatosis multiple; MEN 1. Identifiers: Orphanet 652, MedGen C0025267, MeSH D018761, MONDO:0007540, OMIM 131100.

Submission:

Labcorp Genetics (formerly Invitae), Labcorp
Classification: Uncertain significance for Multiple endocrine neoplasia, type 1. Last evaluated: 2026-02-02. Review status: criteria provided, single submitter. Criteria: Invitae Variant Classification Sherloc (09022015). Collection method: clinical testing. Allele origin: germline.
Comment: This sequence change replaces arginine, which is basic and polar, with glycine, which is neutral and non-polar, at codon 232 of the MEN1 protein (p.Arg232Gly). This variant is not present in population databases (gnomAD no frequency). This variant has not been reported in the literature in individuals affected with MEN1-related conditions. Invitae Evidence Modeling of protein sequence and biophysical properties (such as structural, functional, and spatial information, amino acid conservation, physicochemical variation, residue mobility, and thermodynamic stability) indicates that this missense variant is expected to disrupt MEN1 protein function with a positive predictive value of 95%. In summary, the available evidence is currently insufficient to determine the role of this variant in disease. Therefore, it has been classified as a Variant of Uncertain Significance.